The following is an entry in ClinVar:

NM_000719.7(CACNA1C):c.575G>C (p.Arg192Pro)

Gene: CACNA1C (calcium voltage-gated channel subunit alpha1 C; plus strand). Cytogenetic location: 12p13.33.
Variant type: single nucleotide variant.
Coding change: c.575G>C on transcript NM_000719.7 (MANE Select); coding-DNA position 575, G replaced by C.
Protein change: p.Arg192Pro; replaces arginine 192 with proline.
Molecular consequence: missense variant.
Genome position (GRCh38, 1-based): chr12:2,449,073, G>C. VCF-style: chr12-2449073-G-C. GRCh37 (hg19) VCF-style: chr12-2558239-G-C.
Other names: c.575G>C, p.Arg192Pro (NM_001129827.2, NM_001129829.2, NM_001129830.3 and 19 more transcripts); short protein forms R192P.
Identifiers: ClinVar variation 4766792 (VCV004766792.1).

ClinVar aggregate classification (germline): Uncertain significance (1 of 4 stars; one submission).

Conditions:
Long QT syndrome (LQTS). Identifiers: MedGen C0023976, MeSH D008133, MONDO:0002442. Disease mechanism: loss of function. Inheritance: Various modes of inheritance.

Submission:

Labcorp Genetics (formerly Invitae), Labcorp
Classification: Uncertain significance for Long QT syndrome. Last evaluated: 2025-09-15. Review status: criteria provided, single submitter. Criteria: Invitae Variant Classification Sherloc (09022015). Collection method: clinical testing. Allele origin: germline.
Comment: This sequence change replaces arginine, which is basic and polar, with proline, which is neutral and non-polar, at codon 192 of the CACNA1C protein (p.Arg192Pro). This variant is not present in population databases (gnomAD no frequency). This variant has not been reported in the literature in individuals affected with CACNA1C-related conditions. Invitae Evidence Modeling of protein sequence and biophysical properties (such as structural, functional, and spatial information, amino acid conservation, physicochemical variation, residue mobility, and thermodynamic stability) indicates that this missense variant is expected to disrupt CACNA1C protein function with a positive predictive value of 95%. In summary, the available evidence is currently insufficient to determine the role of this variant in disease. Therefore, it has been classified as a Variant of Uncertain Significance.